The following is an entry in ClinVar:

NM_003482.4(KMT2D):c.5940G>A (p.Thr1980=)

Gene: KMT2D (lysine methyltransferase 2D; minus strand). Cytogenetic location: 12q13.12.
Variant type: single nucleotide variant.
Coding change: c.5940G>A on transcript NM_003482.4 (MANE Select); coding-DNA position 5940, G replaced by A.
Protein change: p.Thr1980=; no amino-acid change (threonine 1980 retained).
Molecular consequence: synonymous variant.
Genome position (GRCh38, 1-based): chr12:49,042,258, C>T on the plus strand (G>A on the coding strand, the complement: KMT2D is on the minus strand). VCF-style: chr12-49042258-C-T. GRCh37 (hg19) VCF-style: chr12-49436041-C-T.
Identifiers: ClinVar variation 3032564 (VCV003032564.3), dbSNP rs529189972, ClinGen allele CA6547391.

ClinVar aggregate classification (germline): Benign. Review status: criteria provided, single submitter (1 of 4 stars). 2 submissions from 2 submitters: Benign (1). 1 of the submissions does not count toward it. Last evaluated 2025-06-04.

Conditions:
KMT2D-related disorder. Also called: KMT2D-Related Disorders.
Kabuki syndrome. Also called: NIIKAWA-KUROKI SYNDROME; Kabuki make-up syndrome. Identifiers: Orphanet 2322, MedGen C0796004, MONDO:0016512.

Allele frequency attached by ClinVar (database versions not stated): TOPMed 0.00001; gnomAD 0.00002; ExAC 0.00005; 1000 Genomes Project 30x 0.00031; 1000 Genomes Project 0.00040.
gnomAD v4.1: 21 of 1,581,312 alleles (0.0013%); highest among the groups gnomAD compares: East Asian, 0.03%; no homozygotes.

Submissions (2):

Labcorp Genetics (formerly Invitae), Labcorp
Classification: Benign for Kabuki syndrome. Last evaluated: 2025-06-04. Review status: criteria provided, single submitter. Criteria: Invitae Variant Classification Sherloc (09022015). Collection method: clinical testing. Allele origin: germline.

PreventionGenetics, part of Exact Sciences
Classification: Likely benign for KMT2D-related condition. Last evaluated: 2023-02-07. Review status: no assertion criteria provided. Collection method: clinical testing. Allele origin: germline. Not counted in ClinVar's aggregate classification.
Comment: This variant is classified as likely benign based on ACMG/AMP sequence variant interpretation guidelines (Richards et al. 2015 PMID: 25741868, with internal and published modifications).